The following is an entry in ClinVar:

NM_005204.4(MAP3K8):c.5A>C (p.Glu2Ala)

Gene: MAP3K8 (mitogen-activated protein kinase kinase kinase 8; plus strand). Cytogenetic location: 10p11.23.
Variant type: single nucleotide variant.
Coding change: c.5A>C on transcript NM_005204.4 (MANE Select); coding-DNA position 5, A replaced by C.
Protein change: p.Glu2Ala; replaces glutamic acid 2 with alanine.
Molecular consequence: missense variant.
Genome position (GRCh38, 1-based): chr10:30,438,943, A>C. VCF-style: chr10-30438943-A-C. GRCh37 (hg19) VCF-style: chr10-30727872-A-C.
Other names: c.5A>C, p.Glu2Ala (NM_001244134.1, NM_001320961.2); short protein forms E2A.
Identifiers: ClinVar variation 2018578 (VCV002018578.4), dbSNP rs2538537842, ClinGen allele CA376435317.

ClinVar aggregate classification (germline): Uncertain significance (1 of 4 stars; one submission).

Submission:

Labcorp Genetics (formerly Invitae), Labcorp
Classification: Uncertain significance. Last evaluated: 2022-07-21. Review status: criteria provided, single submitter. Criteria: Invitae Variant Classification Sherloc (09022015). Collection method: clinical testing. Allele origin: germline.
Comment: In summary, the available evidence is currently insufficient to determine the role of this variant in disease. Therefore, it has been classified as a Variant of Uncertain Significance. Algorithms developed to predict the effect of missense changes on protein structure and function are either unavailable or do not agree on the potential impact of this missense change (SIFT: "Deleterious"; PolyPhen-2: "Probably Damaging"; Align-GVGD: "Class C0"). This variant has not been reported in the literature in individuals affected with MAP3K8-related conditions. This variant is not present in population databases (gnomAD no frequency). This sequence change replaces glutamic acid, which is acidic and polar, with alanine, which is neutral and non-polar, at codon 2 of the MAP3K8 protein (p.Glu2Ala).